The following is an entry in ClinVar:

ClinVar aggregate classification (germline): Likely benign. Review status: criteria provided, multiple submitters, no conflicts (2 of 4 stars). 3 submissions from 3 submitters: Likely benign (3). Last evaluated 2025-11-21.

Conditions:
Cardiovascular phenotype. Identifiers: MedGen CN230736.
Progressive familial heart block type IB (PFHB1B). Identifiers: Orphanet 871, MedGen C1970298, MONDO:0011474, OMIM 604559.

Allele frequency attached by ClinVar (database versions not stated): ExAC 0.00001; gnomAD exomes 0.00001 and 0.00006; gnomAD 0.00004 and 0.00005; TOPMed 0.00004; ESP Exome Variant Server 0.00015.
gnomAD v4.1: 91 of 1,613,596 alleles (0.0056%); highest among the groups gnomAD compares: Middle Eastern, 0.016%; no homozygotes.

Submissions (3):

Labcorp Genetics (formerly Invitae), Labcorp
Classification: Likely benign for Progressive familial heart block type IB. Last evaluated: 2025-11-21. Review status: criteria provided, single submitter. Criteria: Invitae Variant Classification Sherloc (09022015). Collection method: clinical testing. Allele origin: germline.

Ambry Genetics
Classification: Likely benign for Cardiovascular phenotype. Last evaluated: 2017-12-12. Review status: criteria provided, single submitter. Criteria: Ambry Variant Classification Scheme 2023. Collection method: clinical testing. Allele origin: germline.

GeneDx
Classification: Likely benign. Last evaluated: 2017-08-24. Review status: criteria provided, single submitter. Criteria: GeneDx Variant Classification (06012015). Collection method: clinical testing. Allele origin: germline. Affected: yes.
Comment: This variant is considered likely benign or benign based on one or more of the following criteria: it is a conservative change, it occurs at a poorly conserved position in the protein, it is predicted to be benign by multiple in silico algorithms, and/or has population frequency not consistent with disease.

NM_017636.4(TRPM4):c.3012T>C (p.Pro1004=)

Gene: TRPM4 (transient receptor potential cation channel subfamily M member 4; plus strand). Cytogenetic location: 19q13.33.
Variant type: single nucleotide variant.
Coding change: c.3012T>C on transcript NM_017636.4 (MANE Select); coding-DNA position 3012, T replaced by C.
Protein change: p.Pro1004=; no amino-acid change (proline 1004 retained).
Molecular consequence: synonymous variant.
Genome position (GRCh38, 1-based): chr19:49,202,022, T>C. VCF-style: chr19-49202022-T-C. GRCh37 (hg19) VCF-style: chr19-49705279-T-C.
Other names: c.2577T>C, p.Pro859= (NM_001195227.2); c.2667T>C, p.Pro889= (NM_001321281.2); c.1404T>C, p.Pro468= (NM_001321282.2); c.2490T>C, p.Pro830= (NM_001321283.2); c.1950T>C, p.Pro650= (NM_001321285.2).
Identifiers: ClinVar variation 511687 (VCV000511687.14), dbSNP rs76139110, ClinGen allele CA9569743.